The following is an entry in ClinVar:

NM_000535.7(PMS2):c.23+2T>C

Gene: PMS2 (PMS1 homolog 2, mismatch repair system component; minus strand). Cytogenetic location: 7p22.1.
Variant type: single nucleotide variant.
Coding change: c.23+2T>C on transcript NM_000535.7 (MANE Select); the canonical splice donor site of the intron after coding-DNA position 23, T replaced by C.
Molecular consequence: splice donor variant. On other transcripts: 5 prime UTR variant (8).
Genome position (GRCh38, 1-based): chr7:6,008,995, A>G on the plus strand (T>C on the coding strand, the complement: PMS2 is on the minus strand). VCF-style: chr7-6008995-A-G. GRCh37 (hg19) VCF-style: chr7-6048626-A-G.
Other names: c.-571T>C (NM_001322005.2); c.-566T>C (NM_001322009.2, NM_001406897.1); c.-650T>C (NM_001406875.1, NM_001406882.1); c.-817T>C (NM_001406877.1); c.-518T>C (NM_001406894.1); c.-553T>C (NM_001406898.1); c.-53+2T>C (NM_001322008.2); c.-219+2T>C (NM_001406881.1); and 19 more.
Identifiers: ClinVar variation 4852383 (VCV004852383.1).

ClinVar aggregate classification (germline): Uncertain significance (1 of 4 stars; one submission).

Conditions:
Lynch syndrome 4 (LYNCH4). Also called: Colorectal cancer, hereditary nonpolyposis, type 4; Hereditary non-polyposis colorectal cancer, type 4. Identifiers: Orphanet 144, MedGen C1838333, MONDO:0013699, OMIM 614337. Disease mechanism: loss of function.

Submission:

MVZ Medizinische Genetik Mainz
Classification: Uncertain significance for Lynch syndrome 4. Last evaluated: 2026-04-17. Review status: criteria provided, single submitter. Criteria: UK Practice Guidelines For Variant Classification V4 01 2020. Collection method: clinical testing. Allele origin: germline. Inheritance: Autosomal dominant inheritance. Affected: yes. Observed: 1 variant allele.
Comment: ACMG Criteria: PM2_SUP,PP3